The following is an entry in ClinVar:

ClinVar aggregate classification (germline): Uncertain significance (1 of 4 stars; one submission).

Conditions:
Hereditary cancer-predisposing syndrome. Also called: Hereditary Cancer Syndrome; Hereditary neoplastic syndrome; Neoplastic Syndromes, Hereditary; Tumor predisposition. Identifiers: Orphanet 140162, MedGen C0027672, MeSH D009386, MONDO:0015356.

Submission:

Ambry Genetics
Classification: Uncertain significance for Hereditary cancer-predisposing syndrome. Last evaluated: 2024-02-06. Review status: criteria provided, single submitter. Criteria: Ambry Variant Classification Scheme 2023. Collection method: clinical testing. Allele origin: germline.
Comment: The p.Q147K variant (also known as c.439C>A), located in coding exon 1 of the CDKN1B gene, results from a C to A substitution at nucleotide position 439. The glutamine at codon 147 is replaced by lysine, an amino acid with similar properties. This amino acid position is conserved. In addition, this alteration is predicted to be tolerated by in silico analysis. Since supporting evidence is limited at this time, the clinical significance of this alteration remains unclear.

NM_004064.5(CDKN1B):c.439C>A (p.Gln147Lys)

Gene: CDKN1B (cyclin dependent kinase inhibitor 1B; plus strand). Cytogenetic location: 12p13.1.
Variant type: single nucleotide variant.
Coding change: c.439C>A on transcript NM_004064.5 (MANE Select); coding-DNA position 439, C replaced by A.
Protein change: p.Gln147Lys; replaces glutamine 147 with lysine.
Molecular consequence: missense variant.
Genome position (GRCh38, 1-based): chr12:12,718,278, C>A. VCF-style: chr12-12718278-C-A. GRCh37 (hg19) VCF-style: chr12-12871212-C-A.
Other names: short protein forms Q147K.
Identifiers: ClinVar variation 1740272 (VCV001740272.2), dbSNP rs2497405805, ClinGen allele CA383970784.